The following is an entry in ClinVar:

ClinVar aggregate classification (germline): Pathogenic (1 of 4 stars; one submission).

Allele frequency attached by ClinVar (database versions not stated): gnomAD 0.00001.

Submission:

Labcorp Genetics (formerly Invitae), Labcorp
Classification: Pathogenic. Last evaluated: 2021-04-15. Review status: criteria provided, single submitter. Criteria: Invitae Variant Classification Sherloc (09022015). Collection method: clinical testing. Allele origin: germline.
Comment: This sequence change creates a premature translational stop signal (p.Ile4803Thrfs*16) in the USH2A gene. It is expected to result in an absent or disrupted protein product. Loss-of-function variants in USH2A are known to be pathogenic (PMID: 10729113, 10909849, 20507924, 25649381). For these reasons, this variant has been classified as Pathogenic. This variant has not been reported in the literature in individuals with USH2A-related conditions. This variant is not present in population databases (ExAC no frequency).

Literature cited by the submitters: PubMed 10729113; PubMed 10909849; PubMed 20507924; PubMed 25649381.

NM_206933.4(USH2A):c.14408_14420del (p.Ile4803fs)

Gene: USH2A (usherin; minus strand). Cytogenetic location: 1q41.
Variant type: Deletion.
Coding change: c.14408_14420del on transcript NM_206933.4 (MANE Select); coding-DNA positions 14408 to 14420, 13 bases deleted (TTGGAGTAGAGGC).
Protein change: p.Ile4803fs; shifts the reading frame from isoleucine 4803.
Molecular consequence: frameshift variant.
Genome position (GRCh38, 1-based): chr1:215,648,690-215,648,702, GCCTCTACTCCAA deleted on the plus strand (TTGGAGTAGAGGC on the coding strand, the reverse complement: USH2A is on the minus strand). VCF-style (leftmost placement, unchanged base first): chr1-215648689-GGCCTCTACTCCAA-G. GRCh37 (hg19) VCF-style: chr1-215822031-GGCCTCTACTCCAA-G.
Other names: short protein forms I4803fs.
Identifiers: ClinVar variation 1943944 (VCV001943944.5), dbSNP rs1656943603, ClinGen allele CA1012188225.